The following is an entry in ClinVar:

NM_015474.4(SAMHD1):c.968T>C (p.Leu323Pro)

Gene: SAMHD1 (SAM and HD domain containing deoxynucleoside triphosphate triphosphohydrolase 1; minus strand). Cytogenetic location: 20q11.23.
Variant type: single nucleotide variant.
Coding change: c.968T>C on transcript NM_015474.4 (MANE Select); coding-DNA position 968, T replaced by C.
Protein change: p.Leu323Pro; replaces leucine 323 with proline.
Molecular consequence: missense variant.
Genome position (GRCh38, 1-based): chr20:36,916,816, A>G on the plus strand (T>C on the coding strand, the complement: SAMHD1 is on the minus strand). VCF-style: chr20-36916816-A-G. GRCh37 (hg19) VCF-style: chr20-35545219-A-G.
Other names: c.968T>C, p.Leu323Pro (NM_001363729.2, NM_001363733.2); short protein forms L323P.
Identifiers: ClinVar variation 2500708 (VCV002500708.2), dbSNP rs2515244359, ClinGen allele CA408845177.

ClinVar aggregate classification (germline): Likely pathogenic (1 of 4 stars; one submission).

Conditions:
Aicardi-Goutieres syndrome 5. Identifiers: Orphanet 51, MedGen C2749659, MONDO:0013059, OMIM 612952.

Submission:

Victorian Clinical Genetics Services, Murdoch Childrens Research Institute
Classification: Likely pathogenic for Aicardi-Goutieres syndrome 5. Last evaluated: 2021-05-06. Review status: criteria provided, single submitter. Criteria: ACMG Guidelines, 2015. Collection method: clinical testing. Allele origin: germline. Inheritance: Autosomal recessive inheritance. Affected: yes.
Comment: Based on the classification scheme VCGS_Germline_v1.3.4, this variant is classified as Likely Pathogenic. Following criteria are met: 0102 - Loss of function is a known mechanism of disease in this gene and is associated with Aicardi-Goutieres syndrome 5 (MIMI#612952). (I) 0106 - This gene is associated with autosomal recessive disease. (I) 0115 - Variants in this gene are known to have variable expressivity. Marked variability including intra-familial variability has been reported (PMID: 27643693) (I) 0200 - Variant is predicted to result in a missense amino acid change from leucine to proline. (I) 0252 - This variant is homozygous. (I) 0301 - Variant is absent from gnomAD (both v2 and v3). (SP) 0501 - Missense variant consistently predicted to be damaging by multiple in silico tools or highly conserved with a major amino acid change. (SP) 0603 - Missense variant in a region that is highly intolerant to missense variation (high constraint region in DECIPHER). (SP) 0705 - No comparable missense variants have previous evidence for pathogenicity. (I) 0807 - This variant has no previous evidence of pathogenicity. (I) 0905 - No published segregation evidence has been identified for this variant. (I) 1007 - No published functional evidence has been identified for this variant. (I) 1101 - Very strong and specific phenotype match for this individual. (I) Legend: (SP) - Supporting pathogenic, (I) - Information, (SB) - Supporting benign

Literature cited by the submitters: PubMed 27643693.